The following is an entry in ClinVar:

ClinVar aggregate classification (germline): Uncertain significance (1 of 4 stars; one submission).

gnomAD v4.1: 8 of 1,553,886 alleles (0.00051%); highest among the groups gnomAD compares: Admixed American, 0.0039%; no homozygotes.

Submission:

Labcorp Genetics (formerly Invitae), Labcorp
Classification: Uncertain significance. Last evaluated: 2023-10-03. Review status: criteria provided, single submitter. Criteria: Invitae Variant Classification Sherloc (09022015). Collection method: clinical testing. Allele origin: germline.
Comment: This sequence change replaces arginine, which is basic and polar, with cysteine, which is neutral and slightly polar, at codon 157 of the DGKZ protein (p.Arg157Cys). The frequency data for this variant in the population databases is considered unreliable, as metrics indicate poor data quality at this position in the gnomAD database. This variant has not been reported in the literature in individuals affected with DGKZ-related conditions. ClinVar contains an entry for this variant (Variation ID: 2069055). An algorithm developed to predict the effect of missense changes on protein structure and function (PolyPhen-2) suggests that this variant is likely to be tolerated. In summary, the available evidence is currently insufficient to determine the role of this variant in disease. Therefore, it has been classified as a Variant of Uncertain Significance.

NM_001199267.2(DGKZ):c.162-566C>T

Gene: DGKZ (diacylglycerol kinase zeta; plus strand). Cytogenetic location: 11p11.2.
Variant type: single nucleotide variant.
Coding change: c.162-566C>T on transcript NM_001199267.2 (MANE Select); 566 bases into the intron before coding-DNA position 162, C replaced by T.
Molecular consequence: intron variant. On other transcripts: missense variant (1).
Genome position (GRCh38, 1-based): chr11:46,366,725, C>T. VCF-style: chr11-46366725-C-T. GRCh37 (hg19) VCF-style: chr11-46388275-C-T.
Other names: c.469C>T, p.Arg157Cys (NM_001105540.2); c.213-566C>T (NM_201532.3); c.177-566C>T (NM_201533.3); c.162-566C>T (NM_001199266.2, NM_003646.4, NM_001199268.2); short protein forms R157C.
Identifiers: ClinVar variation 2069055 (VCV002069055.4), dbSNP rs903318860, ClinGen allele CA380211627.